The following is an entry in ClinVar:

NM_003060.4(SLC22A5):c.629A>G (p.Asn210Ser)

Gene: SLC22A5 (solute carrier family 22 member 5; plus strand). Cytogenetic location: 5q31.1.
Variant type: single nucleotide variant.
Coding change: c.629A>G on transcript NM_003060.4 (MANE Select); coding-DNA position 629, A replaced by G.
Protein change: p.Asn210Ser; replaces asparagine 210 with serine.
Molecular consequence: missense variant.
Genome position (GRCh38, 1-based): chr5:132,384,278, A>G. VCF-style: chr5-132384278-A-G. GRCh37 (hg19) VCF-style: chr5-131719970-A-G.
Other names: c.701A>G, p.Asn234Ser (NM_001308122.2); short protein forms N234S.
Identifiers: ClinVar variation 38276 (VCV000038276.59), dbSNP rs386134198, ClinGen allele CA342638.

ClinVar aggregate classification (germline): Pathogenic/Likely pathogenic. Review status: criteria provided, multiple submitters, no conflicts (2 of 4 stars). 8 submissions from 8 submitters: Pathogenic (2); Likely pathogenic (6). Last evaluated 2026-02-12.

Conditions:
Carnitine deficiency. Identifiers: MedGen C1142132.
Renal carnitine transport defect (CDSP). Also called: CARNITINE DEFICIENCY, SYSTEMIC, DUE TO DEFECT IN RENAL REABSORPTION OF CARNITINE; CARNITINE TRANSPORTER, PLASMA-MEMBRANE, DEFICIENCY OF; CARNITINE UPTAKE DEFECT; Primary carnitine deficiency; Carnitine transporter deficiency; Systemic primary carnitine deficiency disease. Identifiers: Orphanet 158, MedGen C0342788, MONDO:0008919, OMIM 212140.

Allele frequency attached by ClinVar (database versions not stated): gnomAD 0.00001; gnomAD exomes 0.00002 and 0.00006; TOPMed below 0.00001; ExAC 0.00002.

Submissions (8):

Myriad Genetics, Inc.
Classification: Likely pathogenic for Renal carnitine transport defect. Last evaluated: 2026-02-12. Review status: criteria provided, single submitter. Criteria: Myriad Autosomal Dominant, Autosomal Recessive and X-Linked Classification Criteria (2023). Collection method: clinical testing. Allele origin: unknown.
Comment: NM_003060.3(SLC22A5):c.629A>G(N210S) is a missense variant classified as likely pathogenic in the context of primary carnitine deficiency. N210S has been observed in cases with relevant disease (PMID: 28841266, 34637945, 39670100). Relevant functional assessments of this variant are available in the literature (PMID: 28841266, 36343260). N210S has been observed in referenced population frequency databases. In summary, NM_003060.3(SLC22A5):c.629A>G(N210S) is a missense variant that has functional support for pathogenicity and has been observed more frequently in cases with the relevant disease than in healthy populations. Please note: this variant was assessed in the context of healthy population screening.

Labcorp Genetics (formerly Invitae), Labcorp
Classification: Pathogenic for Renal carnitine transport defect. Last evaluated: 2026-01-05. Review status: criteria provided, single submitter. Criteria: Invitae Variant Classification Sherloc (09022015). Collection method: clinical testing. Allele origin: germline.
Comment: This sequence change replaces asparagine, which is neutral and polar, with serine, which is neutral and polar, at codon 210 of the SLC22A5 protein (p.Asn210Ser). This variant is present in population databases (rs386134198, gnomAD 0.004%). This missense change has been observed in individual(s) with primary carnitine deficiency (PMID: 23798014, 26828774, 28841266; internal data). ClinVar contains an entry for this variant (Variation ID: 38276). Invitae Evidence Modeling of protein sequence and biophysical properties (such as structural, functional, and spatial information, amino acid conservation, physicochemical variation, residue mobility, and thermodynamic stability) indicates that this missense variant is expected to disrupt SLC22A5 protein function with a positive predictive value of 95%. Experimental studies have shown that this missense change affects SLC22A5 function (PMID: 27931018, 28841266). For these reasons, this variant has been classified as Pathogenic.

Natera, Inc.
Classification: Likely pathogenic for Carnitine deficiency. Last evaluated: 2025-04-23. Review status: criteria provided, single submitter. Criteria: Natera Variant Classification Schema (03/2026). Collection method: clinical testing. Allele origin: germline.
Comment: The c.629A>G variant in SLC22A5 is a missense variant predicted to cause substitution of asparagine to serine at amino acid 210. This variant is rare in the general population with a frequency below the threshold expected for the associated phenotype(s). This variant has been observed in one or more individuals affected with the associated recessive disease, as either homozygous or compound heterozygous with a second variant (PMID: 39670100). Functional studies show that this variant may disrupt protein function (PMID: 27931018). Computational prediction algorithms indicate this variant is likely to affect gene or protein function. Given the available evidence, this variant is classified as Likely Pathogenic.

Baylor Genetics
Classification: Likely pathogenic for Renal carnitine transport defect. Last evaluated: 2023-10-08. Review status: criteria provided, single submitter. Criteria: ACMG Guidelines, 2015. Collection method: clinical testing. Allele origin: unknown.

Women's Health and Genetics/Laboratory Corporation of America, LabCorp
Classification: Likely pathogenic for Renal carnitine transport defect. Last evaluated: 2023-01-06. Review status: criteria provided, single submitter. Criteria: LabCorp Variant Classification Summary - May 2015. Collection method: clinical testing. Allele origin: germline.
Comment: Variant summary: SLC22A5 c.629A>G (p.Asn210Ser) results in a conservative amino acid change located in the Major facilitator superfamily domain (IPR020846) of the encoded protein sequence. Three of five in-silico tools predict a benign effect of the variant on protein function. The variant allele was found at a frequency of 2e-05 in 251496 control chromosomes (gnomAD). c.629A>G has been reported in the literature in individuals affected with Systemic Primary Carnitine Deficiency (e.g. Waisbren_2013, Frigeni_2017). These data indicate that the variant may be associated with disease. At least one publication reports experimental evidence evaluating an impact on protein function, demonstrating the variant has 0.13% carnitine transport activity when stably expressed in CHO cells as compared to wild type (Frigeni_2017). Four ClinVar submitters have assessed the variant since 2014: one classified the variant as uncertain significance, two as likely pathogenic, and one as pathogenic. Based on the evidence outlined above, the variant was classified as likely pathogenic.

Giacomini Lab, University of California, San Francisco
Classification: Pathogenic for Renal carnitine transport defect. Last evaluated: 2022-10-03. Review status: criteria provided, single submitter. Criteria: ACMG Guidelines, 2015. Collection method: research, in vitro. Allele origin: germline, not applicable.

Genome-Nilou Lab
Classification: Likely pathogenic for Renal carnitine transport defect. Last evaluated: 2021-07-15. Review status: criteria provided, single submitter. Criteria: ACMG Guidelines, 2015. Collection method: clinical testing. Allele origin: germline. Affected: no.

GeneDx
Classification: Likely pathogenic. Last evaluated: 2021-01-21. Review status: criteria provided, single submitter. Criteria: GeneDx Variant Classification Process June 2021. Collection method: clinical testing. Allele origin: germline. Affected: yes.
Comment: Expression studies found that this variant is associated with 0.13 residual transport activity compared to wild-type (Frigeni et al., 2017); Not observed at a significant frequency in large population cohorts (Lek et al., 2016); In silico analysis supports that this missense variant has a deleterious effect on protein structure/function; This variant is associated with the following publications: (PMID: 28841266, 26828774, 27931018)

Literature cited by the submitters: PubMed 28841266 (cited by 3 submitters); PubMed 34637945 (cited by Myriad Genetics, Inc.); PubMed 36343260 (cited by Myriad Genetics, Inc.); PubMed 39670100 (cited by Myriad Genetics, Inc. and Natera, Inc.); PubMed 23798014 (cited by Labcorp Genetics (formerly Invitae), Labcorp and Women's Health and Genetics/Laboratory Corporation of America, LabCorp); PubMed 26828774 (cited by Labcorp Genetics (formerly Invitae), Labcorp); PubMed 27931018 (cited by Labcorp Genetics (formerly Invitae), Labcorp and Natera, Inc.).